The following is an entry in ClinVar:

NM_001220.5(CAMK2B):c.964G>C (p.Ala322Pro)

Gene: CAMK2B (calcium/calmodulin dependent protein kinase II beta; minus strand). Cytogenetic location: 7p13.
Variant type: single nucleotide variant.
Coding change: c.964G>C on transcript NM_001220.5 (MANE Select); coding-DNA position 964, G replaced by C.
Protein change: p.Ala322Pro; replaces alanine 322 with proline.
Molecular consequence: missense variant. On other transcripts: intron variant (5).
Genome position (GRCh38, 1-based): chr7:44,239,646, C>G on the plus strand (G>C on the coding strand, the complement: CAMK2B is on the minus strand). VCF-style: chr7-44239646-C-G. GRCh37 (hg19) VCF-style: chr7-44279245-C-G.
Other names: c.964G>C, p.Ala322Pro (NM_001293170.2, NM_172078.3, NM_172082.3); c.946+1061G>C (NM_172084.3, NM_172080.3, NM_172083.3 and 2 more transcripts); short protein forms A322P.
Identifiers: ClinVar variation 1311652 (VCV001311652.2), dbSNP rs867587128, ClinGen allele CA367362453.

ClinVar aggregate classification (germline): Uncertain significance (1 of 4 stars; one submission).

Submission:

GeneDx
Classification: Uncertain significance. Last evaluated: 2019-12-26. Review status: criteria provided, single submitter. Criteria: GeneDx Variant Classification Process June 2021. Collection method: clinical testing. Allele origin: germline. Affected: yes.
Comment: Not observed in large population cohorts (Lek et al., 2016); In silico analysis, which includes protein predictors and evolutionary conservation, supports that this variant does not alter protein structure/function; Has not been previously published as pathogenic or benign to our knowledge